The following is an entry in ClinVar:

NM_178497.5(ODAPH):c.*73C>T

Gene: ODAPH (odontogenesis associated phosphoprotein; plus strand). Cytogenetic location: 4q21.1.
Variant type: single nucleotide variant.
Coding change: c.*73C>T on transcript NM_178497.5 (MANE Select); 73 bases downstream of the stop codon, C replaced by T.
Molecular consequence: 3 prime UTR variant. On other transcripts: synonymous variant (1), non-coding transcript variant (2).
Genome position (GRCh38, 1-based): chr4:75,564,512, C>T. VCF-style: chr4-75564512-C-T. GRCh37 (hg19) VCF-style: chr4-76489722-C-T.
Other names: c.510C>T, p.Phe170= (NM_001206981.2); c.*73C>T (NM_001257072.2).
Identifiers: ClinVar variation 3051676 (VCV003051676.2), dbSNP rs188735683, ClinGen allele CA2965008.

ClinVar aggregate classification (germline): Likely benign (0 of 4 stars; one submission).

Conditions:
ODAPH-related disorder. Also called: ODAPH-related condition.

Allele frequency attached by ClinVar (database versions not stated): gnomAD exomes 0.00006; ExAC 0.00020; gnomAD 0.00050; 1000 Genomes Project 0.00060; 1000 Genomes Project 30x 0.00062; TOPMed 0.00062.
gnomAD v4.1: 181 of 1,611,648 alleles (0.011%); highest among the groups gnomAD compares: African/African-American, 0.2%; 2 homozygotes.

Submission:

PreventionGenetics, part of Exact Sciences
Classification: Likely benign for ODAPH-related condition. Last evaluated: 2020-01-20. Review status: no assertion criteria provided. Collection method: clinical testing. Allele origin: germline.
Comment: This variant is classified as likely benign based on ACMG/AMP sequence variant interpretation guidelines (Richards et al. 2015 PMID: 25741868, with internal and published modifications).